The following is an entry in ClinVar:

NM_153240.5(NPHP3):c.1958_1960del (p.Asn653_Val654delinsIle)

Genes: NPHP3 (nephrocystin 3; minus strand), NPHP3-ACAD11 (NPHP3-ACAD11 readthrough (NMD candidate); minus strand). Cytogenetic location: 3q22.1.
Variant type: Deletion.
Coding change: c.1958_1960del on transcript NM_153240.5 (MANE Select); coding-DNA positions 1958 to 1960, 3 bases deleted (ATG; older notation c.1958_1960delATG).
Protein change: p.Asn653_Val654delinsIle.
Molecular consequence: inframe indel.
Genome position (GRCh38, 1-based): chr3:132,699,378-132,699,380, CAT deleted on the plus strand (ATG on the coding strand, the reverse complement: NPHP3 is on the minus strand). VCF-style (leftmost placement, unchanged base first): chr3-132699377-ACAT-A. GRCh37 (hg19) VCF-style: chr3-132418221-ACAT-A.
Identifiers: ClinVar variation 3776525 (VCV003776525.1).

ClinVar aggregate classification (germline): Uncertain significance (1 of 4 stars; one submission).

Submission:

GeneDx
Classification: Uncertain significance. Last evaluated: 2024-10-03. Review status: criteria provided, single submitter. Criteria: GeneDx Variant Classification Process June 2021. Collection method: clinical testing. Allele origin: germline. Affected: yes.
Comment: Not observed at significant frequency in large population cohorts (gnomAD); In-frame deletion of 2 amino acids and insertion of 1 different amino acid in a non-repeat region; In silico analysis indicates that this variant does not alter protein structure/function; Has not been previously published as pathogenic or benign to our knowledge